The following is an entry in ClinVar:

NM_032492.4(JAGN1):c.43A>G (p.Ser15Gly)

Gene: JAGN1 (jagunal vesicle mediated transporter 1; plus strand). Cytogenetic location: 3p25.3.
Variant type: single nucleotide variant.
Coding change: c.43A>G on transcript NM_032492.4 (MANE Select); coding-DNA position 43, A replaced by G.
Protein change: p.Ser15Gly; replaces serine 15 with glycine.
Molecular consequence: missense variant. On other transcripts: 5 prime UTR variant (1).
Genome position (GRCh38, 1-based): chr3:9,890,765, A>G. VCF-style: chr3-9890765-A-G. GRCh37 (hg19) VCF-style: chr3-9932449-A-G.
Other names: c.-226A>G (NM_001363890.1); short protein forms S15G.
Identifiers: ClinVar variation 1055949 (VCV001055949.5), dbSNP rs943577194, ClinGen allele CA69984326.

ClinVar aggregate classification (germline): Uncertain significance (1 of 4 stars; one submission).

Conditions:
Autosomal recessive severe congenital neutropenia due to JAGN1 deficiency. Also called: Severe congenital neutropenia 6, autosomal recessive. Identifiers: Orphanet 423384, MedGen C4014954, MONDO:0014456, OMIM 616022.

Allele frequency attached by ClinVar (database versions not stated): gnomAD exomes below 0.00001 and 0.00001; gnomAD 0.00001; TOPMed 0.00002.

Submission:

Labcorp Genetics (formerly Invitae), Labcorp
Classification: Uncertain significance for Autosomal recessive severe congenital neutropenia due to JAGN1 deficiency. Last evaluated: 2020-05-13. Review status: criteria provided, single submitter. Criteria: Invitae Variant Classification Sherloc (09022015). Collection method: clinical testing. Allele origin: germline.
Comment: This sequence change replaces serine with glycine at codon 15 of the JAGN1 protein (p.Ser15Gly). The serine residue is moderately conserved and there is a small physicochemical difference between serine and glycine. In summary, the available evidence is currently insufficient to determine the role of this variant in disease. Therefore, it has been classified as a Variant of Uncertain Significance. Algorithms developed to predict the effect of missense changes on protein structure and function are either unavailable or do not agree on the potential impact of this missense change (SIFT: "Deleterious"; PolyPhen-2: "Possibly Damaging"; Align-GVGD: "Class C0"). This variant has not been reported in the literature in individuals with JAGN1-related conditions. This variant is not present in population databases (ExAC no frequency).